The following is an entry in ClinVar:

ClinVar aggregate classification (germline): Uncertain significance. Review status: criteria provided, multiple submitters, no conflicts (2 of 4 stars). 5 submissions from 4 submitters: Uncertain significance (5). Last evaluated 2026-01-26.

Conditions:
Myofibrillar myopathy 5. Also called: Filaminopathy (type); FILAMINOPATHY, AUTOSOMAL DOMINANT. Identifiers: Orphanet 171445, MedGen C1836050, MONDO:0012289, OMIM 609524.
Hypertrophic cardiomyopathy 26. Also called: Cardiomyopathy, familial hypertrophic, 26. Identifiers: Orphanet 75249, MedGen C4310749, MONDO:0014883, OMIM 617047.
Distal myopathy with posterior leg and anterior hand involvement. Also called: WILLIAMS DISTAL MYOPATHY. Identifiers: Orphanet 63273, MedGen C3279722, MONDO:0013550, OMIM 614065.
Cardiovascular phenotype. Identifiers: MedGen CN230736.

Allele frequency attached by ClinVar (database versions not stated): ExAC 0.00001; gnomAD 0.00001 and 0.00002; gnomAD exomes 0.00001; TOPMed 0.00001; 1000 Genomes Project 30x 0.00016; 1000 Genomes Project 0.00020.
gnomAD v4.1: 18 of 1,613,576 alleles (0.0011%); highest among the groups gnomAD compares: African/African-American, 0.0027%; no homozygotes.

Submissions (5):

Labcorp Genetics (formerly Invitae), Labcorp
Classification: Uncertain significance for Distal myopathy with posterior leg and anterior hand involvement; Myofibrillar myopathy 5; Hypertrophic cardiomyopathy 26. Last evaluated: 2026-01-26. Review status: criteria provided, single submitter. Criteria: Invitae Variant Classification Sherloc (09022015). Collection method: clinical testing. Allele origin: germline.
Comment: This sequence change falls in intron 18 of the FLNC gene. It does not directly change the encoded amino acid sequence of the FLNC protein. It affects a nucleotide within the consensus splice site. This variant is present in population databases (rs146715204, gnomAD 0.007%). This variant has not been reported in the literature in individuals affected with FLNC-related conditions. ClinVar contains an entry for this variant (Variation ID: 983106). Variants that disrupt the consensus splice site are a relatively common cause of aberrant splicing (PMID: 17576681, 9536098). Algorithms developed to predict the effect of sequence changes on RNA splicing suggest that this variant is not likely to affect RNA splicing. In summary, the available evidence is currently insufficient to determine the role of this variant in disease. Therefore, it has been classified as a Variant of Uncertain Significance.

Ambry Genetics
Classification: Uncertain significance for Cardiovascular phenotype. Last evaluated: 2025-10-06. Review status: criteria provided, single submitter. Criteria: Ambry Variant Classification Scheme 2023. Collection method: clinical testing. Allele origin: germline.
Comment: The c.2811+4C>T intronic variant results from a C to T substitution 4 nucleotides after coding exon 18 in the FLNC gene. This nucleotide position is poorly conserved in available vertebrate species. In silico splice site analysis predicts that this alteration will not have any significant effect on splicing. Based on the available evidence, the clinical significance of this variant remains unclear.

Blueprint Genetics
Classification: Uncertain significance. Last evaluated: 2021-10-25. Review status: criteria provided, single submitter. Criteria: ACMG Guidelines, 2015. Collection method: clinical testing. Allele origin: germline.

Institute of Human Genetics, University of Leipzig Medical Center
Classification: Uncertain significance for Hypertrophic cardiomyopathy 26. Last evaluated: 2020-09-04. Review status: criteria provided, single submitter. Criteria: ACMG Guidelines, 2015. Collection method: clinical testing. Allele origin: unknown. Affected: yes.

Institute of Human Genetics, University of Leipzig Medical Center
Classification: Uncertain significance for Distal myopathy with posterior leg and anterior hand involvement. Last evaluated: 2020-09-04. Review status: criteria provided, single submitter. Criteria: ACMG Guidelines, 2015. Collection method: clinical testing. Allele origin: unknown. Affected: yes.

Literature cited by the submitters: PubMed 17576681 (cited by Labcorp Genetics (formerly Invitae), Labcorp); PubMed 9536098 (cited by Labcorp Genetics (formerly Invitae), Labcorp).

NM_001458.5(FLNC):c.2811+4C>T

Gene: FLNC (filamin C; plus strand). Cytogenetic location: 7q32.1.
Variant type: single nucleotide variant.
Coding change: c.2811+4C>T on transcript NM_001458.5 (MANE Select); 4 bases into the intron after coding-DNA position 2811, C replaced by T.
Molecular consequence: intron variant.
Genome position (GRCh38, 1-based): chr7:128,843,581, C>T. VCF-style: chr7-128843581-C-T. GRCh37 (hg19) VCF-style: chr7-128483635-C-T.
Other names: c.2811+4C>T (NM_001127487.2).
Identifiers: ClinVar variation 983106 (VCV000983106.14), dbSNP rs146715204, ClinGen allele CA4474843.